The following is an entry in ClinVar:

NM_001849.4(COL6A2):c.2891T>C (p.Met964Thr)

Gene: COL6A2 (collagen type VI alpha 2 chain; plus strand). Cytogenetic location: 21q22.3.
Variant type: single nucleotide variant.
Coding change: c.2891T>C on transcript NM_001849.4 (MANE Select); coding-DNA position 2891, T replaced by C.
Protein change: p.Met964Thr; replaces methionine 964 with threonine.
Molecular consequence: missense variant.
Genome position (GRCh38, 1-based): chr21:46,132,383, T>C. VCF-style: chr21-46132383-T-C. GRCh37 (hg19) VCF-style: chr21-47552297-T-C.
Other names: short protein forms M964T.
Identifiers: ClinVar variation 617574 (VCV000617574.12), dbSNP rs1427750922, ClinGen allele CA410549947.

ClinVar aggregate classification (germline): Conflicting classifications of pathogenicity. Review status: criteria provided, conflicting classifications (1 of 4 stars). 4 submissions from 4 submitters: Likely pathogenic (1); Uncertain significance (3). Last evaluated 2025-09-15.

Conditions:
Myosclerosis. Also called: Myosclerosis, congenital; MYOPATHY, MYOSCLEROTIC; MYOSCLEROSIS, CONGENITAL, OF LOWENTHAL. Identifiers: Orphanet 289380, MedGen C1850671, MONDO:0009714, OMIM 255600.
Collagen 6-related myopathy. Identifiers: MedGen CN117976, MONDO:0100225.
Bethlem myopathy 1A. Also called: Bethlem Muscular Dystrophy; MYOPATHY, BENIGN CONGENITAL, WITH CONTRACTURES; Bethlem myopathy 1. Identifiers: Orphanet 610, MedGen CN029274, MONDO:0024530, OMIM 158810.

Allele frequency attached by ClinVar (database versions not stated): gnomAD exomes 0.00001 and below 0.00001; TOPMed below 0.00001; gnomAD 0.00001.
gnomAD v4.1: 9 of 1,609,356 alleles (0.00056%); highest among the groups gnomAD compares: African/African-American, 0.0027%; no homozygotes.

Submissions (4):

Dasa
Classification: Uncertain significance. Last evaluated: 2025-09-15. Review status: criteria provided, single submitter. Criteria: DASA Assertion Criteria. Collection method: clinical testing. Allele origin: germline.
Comment: NM_001849.4(COL6A2):c.2891T>C (p.Met964Thr) is a missense variant that results in the substitution of methionine with threonine. This variant has been reported in individuals with COL6A2-related disorders (PMID: 31589614). Also, this variant is rare in population databases. Computational prediction algorithms are consistent with a deleterious effect. The currently available literature and clinical evidence are not sufficient to establish a definitive association between this variant and the reported condition. Therefore, this variant is classified as a variant of uncertain significance.

Labcorp Genetics (formerly Invitae), Labcorp
Classification: Uncertain significance for Bethlem myopathy 1A. Last evaluated: 2025-05-27. Review status: criteria provided, single submitter. Criteria: Invitae Variant Classification Sherloc (09022015). Collection method: clinical testing. Allele origin: germline.
Comment: This sequence change replaces methionine, which is neutral and non-polar, with threonine, which is neutral and polar, at codon 964 of the COL6A2 protein (p.Met964Thr). This variant is present in population databases (no rsID available, gnomAD 0.004%). This variant has not been reported in the literature in individuals affected with COL6A2-related conditions. ClinVar contains an entry for this variant (Variation ID: 617574). Invitae Evidence Modeling of protein sequence and biophysical properties (such as structural, functional, and spatial information, amino acid conservation, physicochemical variation, residue mobility, and thermodynamic stability) indicates that this missense variant is expected to disrupt COL6A2 protein function with a positive predictive value of 80%. In summary, the available evidence is currently insufficient to determine the role of this variant in disease. Therefore, it has been classified as a Variant of Uncertain Significance.

Department of Pathology and Laboratory Medicine, Sinai Health System
Classification: Uncertain significance for collagen 6-related myopathy. Last evaluated: 2022-03-25. Review status: criteria provided, single submitter. Criteria: ACMG Guidelines, 2015. Collection method: research. Allele origin: germline.

NeuroMeGen, Hospital Clinico Santiago de Compostela
Classification: Likely pathogenic for Myosclerosis. Last evaluated: 2018-10-08. Review status: criteria provided, single submitter. Criteria: ACMG Guidelines, 2015. Collection method: clinical testing. Allele origin: paternal. Affected: yes. Observed: 1 compound heterozygote.

Literature cited by the submitters: PubMed 31589614 (cited by Dasa).